The following is an entry in ClinVar:

NM_000466.3(PEX1):c.404G>A (p.Arg135Gln)

Gene: PEX1 (peroxisomal biogenesis factor 1; minus strand). Cytogenetic location: 7q21.2.
Variant type: single nucleotide variant.
Coding change: c.404G>A on transcript NM_000466.3 (MANE Select); coding-DNA position 404, G replaced by A.
Protein change: p.Arg135Gln; replaces arginine 135 with glutamine.
Molecular consequence: missense variant. On other transcripts: 5 prime UTR variant (1).
Genome position (GRCh38, 1-based): chr7:92,518,209, C>T on the plus strand (G>A on the coding strand, the complement: PEX1 is on the minus strand). VCF-style: chr7-92518209-C-T. GRCh37 (hg19) VCF-style: chr7-92147523-C-T.
Other names: c.404G>A, p.Arg135Gln (NM_001282677.2); c.-221G>A (NM_001282678.2); short protein forms R135Q.
Identifiers: ClinVar variation 1480978 (VCV001480978.7), dbSNP rs754529845, ClinGen allele CA4341614.

ClinVar aggregate classification (germline): Uncertain significance (1 of 4 stars; one submission).

Conditions:
Zellweger spectrum disorders (ZS). Also called: Zellweger Spectrum Disorder; Zellweger Spectrum; Zellweger syndrome; Zellweger Spectrum Disorder (ZSD). Identifiers: Orphanet 912, MedGen C0043459, MONDO:0019609.

Allele frequency attached by ClinVar (database versions not stated): TOPMed below 0.00001; ExAC 0.00001; gnomAD 0.00001; gnomAD exomes 0.00001.

Submission:

Labcorp Genetics (formerly Invitae), Labcorp
Classification: Uncertain significance for Zellweger spectrum disorders. Last evaluated: 2022-09-01. Review status: criteria provided, single submitter. Criteria: Invitae Variant Classification Sherloc (09022015). Collection method: clinical testing. Allele origin: germline.
Comment: This sequence change replaces arginine, which is basic and polar, with glutamine, which is neutral and polar, at codon 135 of the PEX1 protein (p.Arg135Gln). This variant is present in population databases (rs754529845, gnomAD 0.003%). This variant has not been reported in the literature in individuals affected with PEX1-related conditions. ClinVar contains an entry for this variant (Variation ID: 1480978). Algorithms developed to predict the effect of missense changes on protein structure and function (SIFT, PolyPhen-2, Align-GVGD) all suggest that this variant is likely to be disruptive. In summary, the available evidence is currently insufficient to determine the role of this variant in disease. Therefore, it has been classified as a Variant of Uncertain Significance.